The following is an entry in ClinVar:

ClinVar aggregate classification (germline): Uncertain significance. Review status: criteria provided, multiple submitters, no conflicts (2 of 4 stars). 2 submissions from 2 submitters: Uncertain significance (2). Last evaluated 2023-10-12.

Conditions:
Hereditary spastic paraplegia 6 (SPG6). Also called: SPASTIC PARAPLEGIA 6, AUTOSOMAL DOMINANT. Identifiers: Orphanet 100988, MedGen C1838192, MONDO:0010878, OMIM 600363.

Allele frequency attached by ClinVar (database versions not stated): gnomAD exomes 0.00001.
gnomAD v4.1: 2 of 1,305,084 alleles (0.00015%); highest among the groups gnomAD compares: Non-Finnish European, 0.0002%; no homozygotes.

Submissions (2):

Mayo Clinic Laboratories, Mayo Clinic
Classification: Uncertain significance. Last evaluated: 2023-10-12. Review status: criteria provided, single submitter. Criteria: ACMG Guidelines, 2015. Collection method: clinical testing. Allele origin: germline. Observed: 1 variant allele.
Comment: PM2_moderate

Labcorp Genetics (formerly Invitae), Labcorp
Classification: Uncertain significance for Hereditary spastic paraplegia 6. Last evaluated: 2022-12-03. Review status: criteria provided, single submitter. Criteria: Invitae Variant Classification Sherloc (09022015). Collection method: clinical testing. Allele origin: germline.
Comment: This variant is not present in population databases (gnomAD no frequency). This sequence change replaces valine, which is neutral and non-polar, with methionine, which is neutral and non-polar, at codon 47 of the NIPA1 protein (p.Val47Met). This variant has not been reported in the literature in individuals affected with NIPA1-related conditions. In summary, the available evidence is currently insufficient to determine the role of this variant in disease. Therefore, it has been classified as a Variant of Uncertain Significance. Algorithms developed to predict the effect of missense changes on protein structure and function are either unavailable or do not agree on the potential impact of this missense change (SIFT: "Deleterious"; PolyPhen-2: "Probably Damaging"; Align-GVGD: "Class C0").

NM_144599.5(NIPA1):c.139G>A (p.Val47Met)

Genes: NIPA1 (NIPA magnesium transporter 1; plus strand), LOC130056709 (ATAC-STARR-seq lymphoblastoid silent region 6259; plus strand). Cytogenetic location: 15q11.2.
Variant type: single nucleotide variant.
Coding change: c.139G>A on transcript NM_144599.5 (MANE Select); coding-DNA position 139, G replaced by A.
Protein change: p.Val47Met; replaces valine 47 with methionine.
Molecular consequence: missense variant. On other transcripts: intron variant (1).
Genome position (GRCh38, 1-based): chr15:22,786,795, G>A. VCF-style: chr15-22786795-G-A. GRCh37 (hg19) VCF-style: chr15-23086273-C-T.
Other names: p.Val47Met; c.-48+547G>A (NM_001142275.1); short protein forms V47M.
Identifiers: ClinVar variation 2693831 (VCV002693831.4), dbSNP rs2504912016, ClinGen allele CA391298864.
Genomic context (GRCh38, chr15:22,786,795, plus strand): 5'-GCCGTGTCGCTCGGCCTGGGCGTGGCCGTCGTGTCGAGCCTGGTGAACGGGTCCACGTTC[G>A]TGCTACAGAAGAAGGGCATCGTGCGTGCCAAGCGGCGAGGTAGGGCGGGCGGCAGGCGGC-3'
Protein context (NP_653200.2, residues 37-57): VSSLVNGSTF[Val47Met]LQKKGIVRAK